The following is an entry in ClinVar:

ClinVar aggregate classification (germline): Uncertain significance. Review status: criteria provided, multiple submitters, no conflicts (2 of 4 stars). 6 submissions from 6 submitters: Uncertain significance (5). 1 of the submissions does not count toward it. Last evaluated 2025-08-07.

Conditions:
Inborn genetic diseases. Identifiers: MedGen C0950123, MeSH D030342.
Usher syndrome type 1B (USH1B). Also called: Usher syndrome type IB. Identifiers: MedGen C1848638, MONDO:0700087.
Autosomal dominant nonsyndromic hearing loss 11. Identifiers: Orphanet 90635, MedGen C1832475, MONDO:0011032, OMIM 601317.

Allele frequency attached by ClinVar (database versions not stated): gnomAD 0.00001; TOPMed 0.00003; gnomAD exomes 0.00006; ExAC 0.00013.
gnomAD v4.1: 76 of 1,592,886 alleles (0.0048%); highest among the groups gnomAD compares: East Asian, 0.0068%; no homozygotes.

Submissions (6):

Ambry Genetics
Classification: Uncertain significance for Inborn genetic diseases. Last evaluated: 2025-08-07. Review status: criteria provided, single submitter. Criteria: Ambry Variant Classification Scheme 2023. Collection method: clinical testing. Allele origin: germline.

Labcorp Genetics (formerly Invitae), Labcorp
Classification: Uncertain significance. Last evaluated: 2024-05-28. Review status: criteria provided, single submitter. Criteria: Invitae Variant Classification Sherloc (09022015). Collection method: clinical testing. Allele origin: germline.
Comment: This sequence change replaces threonine, which is neutral and polar, with methionine, which is neutral and non-polar, at codon 2121 of the MYO7A protein (p.Thr2121Met). This variant is present in population databases (rs769205075, gnomAD 0.008%). This variant has not been reported in the literature in individuals affected with MYO7A-related conditions. ClinVar contains an entry for this variant (Variation ID: 929910). Advanced modeling of protein sequence and biophysical properties (such as structural, functional, and spatial information, amino acid conservation, physicochemical variation, residue mobility, and thermodynamic stability) has been performed at Invitae for this missense variant, however the output from this modeling did not meet the statistical confidence thresholds required to predict the impact of this variant on MYO7A protein function. In summary, the available evidence is currently insufficient to determine the role of this variant in disease. Therefore, it has been classified as a Variant of Uncertain Significance.

Blueprint Genetics
Classification: Uncertain significance. Last evaluated: 2022-09-08. Review status: criteria provided, single submitter. Criteria: ACMG Guidelines, 2015. Collection method: clinical testing. Allele origin: germline.

Centre for Mendelian Genomics, University Medical Centre Ljubljana
Classification: Uncertain significance for Autosomal dominant nonsyndromic hearing loss 11. Last evaluated: 2019-10-21. Review status: criteria provided, single submitter. Criteria: ACMG Guidelines, 2015. Collection method: clinical testing. Allele origin: unknown. Affected: yes.
Comment: This variant was classified as: Uncertain significance. The available evidence on this variant's pathogenicity is insufficient or conflicting. The following ACMG criteria were applied in classifying this variant: PM2,PP3.

Laboratory for Molecular Medicine, Mass General Brigham Personalized Medicine
Classification: Uncertain significance. Last evaluated: 2019-04-26. Review status: criteria provided, single submitter. Criteria: LMM Criteria. Collection method: clinical testing. Allele origin: germline. Observed: 1 variant allele.
Comment: The p.Thr2121Met variant in MYO7A has not been previously reported in individuals with hearing loss or Usher syndrome but has been identified in 0.008% (8/96196) of European chromosomes by gnomAD. Computational prediction tools and conservation analysis suggest that this variant may impact the protein, though this information is not predictive enough to determine pathogenicity. In summary, the clinical significance of this variant is uncertain. ACMG/AMP Criteria applied: PM2_Supporting, PP3.

Natera, Inc.
Classification: Uncertain significance for Usher syndrome type 1B. Last evaluated: 2020-05-15. Review status: no assertion criteria provided. Collection method: clinical testing. Allele origin: germline. Not counted in ClinVar's aggregate classification.

NM_000260.4(MYO7A):c.6362C>T (p.Thr2121Met)

Gene: MYO7A (myosin VIIA; plus strand). Cytogenetic location: 11q13.5.
Variant type: single nucleotide variant.
Coding change: c.6362C>T on transcript NM_000260.4 (MANE Select); coding-DNA position 6362, C replaced by T.
Protein change: p.Thr2121Met; replaces threonine 2121 with methionine.
Molecular consequence: missense variant.
Genome position (GRCh38, 1-based): chr11:77,212,959, C>T. VCF-style: chr11-77212959-C-T. GRCh37 (hg19) VCF-style: chr11-76924004-C-T.
Other names: c.6242C>T, p.Thr2081Met (NM_001127180.2); c.6215C>T, p.Thr2072Met (NM_001369365.1); short protein forms T2081M, T2121M, T2072M.
Identifiers: ClinVar variation 929910 (VCV000929910.13), dbSNP rs769205075, ClinGen allele CA6199053.